The following is an entry in ClinVar:

NM_013262.4(MYLIP):c.1258G>A (p.Val420Ile)

Gene: MYLIP (myosin regulatory light chain interacting protein; plus strand). Cytogenetic location: 6p22.3.
Variant type: single nucleotide variant.
Coding change: c.1258G>A on transcript NM_013262.4 (MANE Select); coding-DNA position 1258, G replaced by A.
Protein change: p.Val420Ile; replaces valine 420 with isoleucine.
Molecular consequence: missense variant.
Genome position (GRCh38, 1-based): chr6:16,146,671, G>A. VCF-style: chr6-16146671-G-A. GRCh37 (hg19) VCF-style: chr6-16146902-G-A.
Other names: short protein forms V420I.
Identifiers: ClinVar variation 1487083 (VCV001487083.6), dbSNP rs146590862, ClinGen allele CA3644683.

ClinVar aggregate classification (germline): Uncertain significance (1 of 4 stars; one submission).

Allele frequency attached by ClinVar (database versions not stated): 1000 Genomes Project 30x 0.00031; 1000 Genomes Project 0.00040; ESP Exome Variant Server 0.00115.
gnomAD v4.1: 1,576 of 1,609,650 alleles (0.098%); highest among the groups gnomAD compares: Non-Finnish European, 0.12%; 6 homozygotes.

Submission:

Labcorp Genetics (formerly Invitae), Labcorp
Classification: Uncertain significance. Last evaluated: 2025-11-09. Review status: criteria provided, single submitter. Criteria: Invitae Variant Classification Sherloc (09022015). Collection method: clinical testing. Allele origin: germline.
Comment: This sequence change replaces valine, which is neutral and non-polar, with isoleucine, which is neutral and non-polar, at codon 420 of the MYLIP protein (p.Val420Ile). This variant is present in population databases (rs146590862, gnomAD 0.08%), and has an allele count higher than expected for a pathogenic variant. This missense change has been observed in individual(s) with clinical features of dyslipidemia (PMID: 32041611). ClinVar contains an entry for this variant (Variation ID: 1487083). An algorithm developed to predict the effect of missense changes on protein structure and function (PolyPhen-2) suggests that this variant is likely to be tolerated. In summary, the available evidence is currently insufficient to determine the role of this variant in disease. Therefore, it has been classified as a Variant of Uncertain Significance.

Literature cited by the submitters: PubMed 32041611.